The following is an entry in ClinVar:

NM_019842.4(KCNQ5):c.376G>C (p.Ala126Pro)

Genes: KCNQ5 (potassium voltage-gated channel subfamily Q member 5; plus strand), KCNQ5-DT (KCNQ5 divergent transcript; minus strand). Cytogenetic location: 6q13.
Variant type: single nucleotide variant.
Coding change: c.376G>C on transcript NM_019842.4 (MANE Select); coding-DNA position 376, G replaced by C.
Protein change: p.Ala126Pro; replaces alanine 126 with proline.
Molecular consequence: missense variant.
Genome position (GRCh38, 1-based): chr6:72,622,565, G>C. VCF-style: chr6-72622565-G-C. GRCh37 (hg19) VCF-style: chr6-73332293-G-C.
Other names: c.376G>C, p.Ala126Pro (NM_001160130.2, NM_001160132.2, NM_001160133.2 and 1 more transcripts); short protein forms A126P.
Identifiers: ClinVar variation 2504351 (VCV002504351.2), dbSNP rs2481570428, ClinGen allele CA364824720.
Genomic context (GRCh38, chr6:72,622,565, plus strand): 5'-GTCAAGTACCGGCGGGTGCAGAACTACCTGTACAACGTGCTGGAGAGACCCCGCGGCTGG[G>C]CGTTCATCTACCACGCTTTCGTGTGAGTACCCGCGCCCCCTGCTATGCCCGCTGCAGGGG-3'
Protein context (NP_062816.2, residues 116-136): YNVLERPRGW[Ala126Pro]FIYHAFVFLL

ClinVar aggregate classification (germline): Uncertain significance (1 of 4 stars; one submission).

Submission:

GeneDx
Classification: Uncertain significance. Last evaluated: 2025-02-05. Review status: criteria provided, single submitter. Criteria: GeneDx Variant Classification Process June 2021. Collection method: clinical testing. Allele origin: germline. Affected: yes.
Comment: Not observed at significant frequency in large population cohorts (gnomAD); In silico analysis supports that this missense variant has a deleterious effect on protein structure/function; Has not been previously published as pathogenic or benign to our knowledge